The following is an entry in ClinVar:

ClinVar aggregate classification (germline): Likely benign (1 of 4 stars; one submission).

Conditions:
UTP4-related disorder. Also called: UTP4-related condition.

gnomAD v4.1: 2 of 1,578,390 alleles (0.00013%); highest among the groups gnomAD compares: Admixed American, 0.0033%; no homozygotes.

Submission:

PreventionGenetics, part of Exact Sciences
Classification: Likely benign for UTP4-related condition. Last evaluated: 2026-09-22. Review status: criteria provided, single submitter. Criteria: ACMG Guidelines, 2015. Collection method: clinical testing. Allele origin: germline.
Comment: This variant is classified as likely benign based on ACMG/AMP sequence variant interpretation guidelines (Richards et al. 2015 PMID: 25741868, with internal and published modifications).

NM_032830.3(UTP4):c.436+6C>G

Gene: UTP4 (UTP4 small subunit processome component). Cytogenetic location: 16q22.1.
Variant type: single nucleotide variant.
Coding change: c.436+6C>G on transcript NM_032830.3 (MANE Select); 6 bases into the intron after coding-DNA position 436, C replaced by G.
Molecular consequence: intron variant.
Genome position (GRCh38, 1-based): chr16:69,137,891, C>G. VCF-style: chr16-69137891-C-G. GRCh37 (hg19) VCF-style: chr16-69171794-C-G.
Other names: c.187+6C>G (NM_001318391.2).
Identifiers: ClinVar variation 4983473 (VCV004983473.1).